The following is an entry in ClinVar:

NM_001351169.2(NT5C2):c.989-13T>G

Gene: NT5C2 (5'-nucleotidase, cytosolic II; minus strand). Cytogenetic location: 10q24.32.
Variant type: single nucleotide variant.
Coding change: c.989-13T>G on transcript NM_001351169.2 (MANE Select); 13 bases into the intron before coding-DNA position 989, T replaced by G.
Molecular consequence: intron variant.
Genome position (GRCh38, 1-based): chr10:103,093,322, A>C on the plus strand (T>G on the coding strand, the complement: NT5C2 is on the minus strand). VCF-style: chr10-103093322-A-C. GRCh37 (hg19) VCF-style: chr10-104853079-A-C.
Other names: c.902-13T>G (NM_001351174.1); c.416-13T>G (NM_001351191.1, NM_001351192.1, NM_001351193.1 and 16 more transcripts); c.275-13T>G (NM_001351194.2, NM_001351195.2, NM_001351196.2); c.989-13T>G (NM_001134373.3, NM_012229.5); c.1013-13T>G (NM_001351170.2, NM_001351171.2, NM_001351172.2 and 1 more transcripts); c.896-13T>G (NM_001351175.2).
Identifiers: ClinVar variation 1932434 (VCV001932434.4), dbSNP rs374338400, ClinGen allele CA5670877.

ClinVar aggregate classification (germline): Uncertain significance (1 of 4 stars; one submission).

Conditions:
Hereditary spastic paraplegia 45. Also called: Spastic paraplegia 45, autosomal recessive; SPASTIC PARAPLEGIA 45. Identifiers: Orphanet 320396, MedGen C3888209, MONDO:0013165, OMIM 613162.

Allele frequency attached by ClinVar (database versions not stated): ExAC 0.00002; gnomAD exomes 0.00004; TOPMed 0.00005; ESP Exome Variant Server 0.00008.
gnomAD v4.1: 60 of 1,530,016 alleles (0.0039%); highest among the groups gnomAD compares: African/African-American, 0.007%; no homozygotes.

Submission:

Labcorp Genetics (formerly Invitae), Labcorp
Classification: Uncertain significance for Hereditary spastic paraplegia 45. Last evaluated: 2024-10-16. Review status: criteria provided, single submitter. Criteria: Invitae Variant Classification Sherloc (09022015). Collection method: clinical testing. Allele origin: germline.
Comment: This sequence change falls in intron 14 of the NT5C2 gene. It does not directly change the encoded amino acid sequence of the NT5C2 protein. This variant is present in population databases (rs374338400, gnomAD 0.005%). This variant has not been reported in the literature in individuals affected with NT5C2-related conditions. ClinVar contains an entry for this variant (Variation ID: 1932434). Algorithms developed to predict the effect of sequence changes on RNA splicing suggest that this variant may disrupt the consensus splice site. In summary, the available evidence is currently insufficient to determine the role of this variant in disease. Therefore, it has been classified as a Variant of Uncertain Significance.